The following is an entry in ClinVar:

ClinVar aggregate classification (germline): Uncertain significance (1 of 4 stars; one submission).

Conditions:
Inborn genetic diseases. Identifiers: MedGen C0950123, MeSH D030342.

Submission:

Ambry Genetics
Classification: Uncertain significance for Inborn genetic diseases. Last evaluated: 2026-08-02. Review status: criteria provided, single submitter. Criteria: Ambry Variant Classification Scheme 2023. Collection method: clinical testing. Allele origin: germline.
Comment: The p.Q451H variant (also known as c.1353G>C), located in coding exon 12 of the KDM1A gene, results from a G to C substitution at nucleotide position 1353. The glutamine at codon 451 is replaced by histidine, an amino acid with highly similar properties. This amino acid position is conserved. In addition, this alteration is predicted to be deleterious by in silico analysis. Based on the available evidence, the clinical significance of this variant remains unclear.

NM_001009999.3(KDM1A):c.1353G>C (p.Gln451His)

Gene: KDM1A (lysine demethylase 1A; plus strand). Cytogenetic location: 1p36.12.
Variant type: single nucleotide variant.
Coding change: c.1353G>C on transcript NM_001009999.3 (MANE Select); coding-DNA position 1353, G replaced by C.
Protein change: p.Gln451His; replaces glutamine 451 with histidine.
Molecular consequence: missense variant.
Genome position (GRCh38, 1-based): chr1:23,069,091, G>C. VCF-style: chr1-23069091-G-C. GRCh37 (hg19) VCF-style: chr1-23395584-G-C.
Other names: c.1281G>C, p.Gln427His (NM_001410763.1, NM_015013.4, NM_001363654.2); c.1341G>C, p.Gln447His (NM_001410762.1); short protein forms Q427H, Q451H, Q447H.
Identifiers: ClinVar variation 5023084 (VCV005023084.1).